The following is an entry in ClinVar:

ClinVar aggregate classification (germline): Uncertain significance (1 of 4 stars; one submission).

Conditions:
Neuronopathy, distal hereditary motor, type 7A. Also called: SPINAL MUSCULAR ATROPHY, DISTAL, WITH VOCAL CORD PARALYSIS; HARPER-YOUNG MYOPATHY; HMN VIIA; Neuronopathy, distal hereditary motor, type viia; NEURONOPATHY, DISTAL HEREDITARY MOTOR, HARDING TYPE VIIA; NEUROPATHY, DISTAL HEREDITARY MOTOR, HARDING TYPE VIIA. Identifiers: Orphanet 139589, MedGen C1834703, MONDO:0008024, OMIM 158580.
Congenital myasthenic syndrome 20. Also called: Myasthenic syndrome, congenital, 20, presynaptic. Identifiers: MedGen C4310694, MONDO:0014939, OMIM 617143.

Allele frequency attached by ClinVar (database versions not stated): gnomAD exomes below 0.00001 and 0.00001; TOPMed 0.00001; ExAC 0.00002; gnomAD 0.00003.
gnomAD v4.1: 7 of 1,613,414 alleles (0.00043%); highest among the groups gnomAD compares: Admixed American, 0.0017%; no homozygotes.

Submission:

Labcorp Genetics (formerly Invitae), Labcorp
Classification: Uncertain significance for Neuronopathy, distal hereditary motor, type 7A; Congenital myasthenic syndrome 20. Last evaluated: 2023-04-26. Review status: criteria provided, single submitter. Criteria: Invitae Variant Classification Sherloc (09022015). Collection method: clinical testing. Allele origin: germline.
Comment: This sequence change creates a premature translational stop signal (p.Arg382*) in the SLC5A7 gene. While this is not anticipated to result in nonsense mediated decay, it is expected to disrupt the last 199 amino acid(s) of the SLC5A7 protein. The frequency data for this variant in the population databases is considered unreliable, as metrics indicate poor data quality at this position in the gnomAD database. This variant has not been reported in the literature in individuals affected with SLC5A7-related conditions. ClinVar contains an entry for this variant (Variation ID: 1015765). Experimental studies and prediction algorithms are not available or were not evaluated, and the functional significance of this variant is currently unknown. In summary, the available evidence is currently insufficient to determine the role of this variant in disease. Therefore, it has been classified as a Variant of Uncertain Significance.

NM_021815.5(SLC5A7):c.1144C>T (p.Arg382Ter)

Gene: SLC5A7 (solute carrier family 5 member 7; plus strand). Cytogenetic location: 2q12.3.
Variant type: single nucleotide variant.
Coding change: c.1144C>T on transcript NM_021815.5 (MANE Select); coding-DNA position 1144, C replaced by T.
Protein change: p.Arg382Ter; replaces arginine 382 with a stop codon.
Molecular consequence: nonsense.
Genome position (GRCh38, 1-based): chr2:108,010,262, C>T. VCF-style: chr2-108010262-C-T. GRCh37 (hg19) VCF-style: chr2-108626718-C-T.
Other names: c.1144C>T, p.Arg382Ter (NM_001305005.3); c.829C>T, p.Arg277Ter (NM_001305006.3); c.403C>T, p.Arg135Ter (NM_001305007.3); short protein forms R135*, R277*, R382*.
Identifiers: ClinVar variation 1015765 (VCV001015765.5), dbSNP rs751468033, ClinGen allele CA1819140.